The following is an entry in ClinVar:

ClinVar aggregate classification (germline): Uncertain significance (1 of 4 stars; one submission).

Conditions:
Shprintzen-Goldberg syndrome (SGS). Also called: Marfanoid disorder with craniosynostosis type 1; Marfanoid craniosynostosis syndrome; Shprintzen-Goldberg marfanoid syndrome; SHPRINTZEN-GOLDBERG CRANIOSYNOSTOSIS SYNDROME; CRANIOSYNOSTOSIS WITH ARACHNODACTYLY AND ABDOMINAL HERNIAS. Identifiers: Orphanet 2462, MedGen C1321551, MONDO:0008426, OMIM 182212.

Submission:

Labcorp Genetics (formerly Invitae), Labcorp
Classification: Uncertain significance for Shprintzen-Goldberg syndrome. Last evaluated: 2023-08-02. Review status: criteria provided, single submitter. Criteria: Invitae Variant Classification Sherloc (09022015). Collection method: clinical testing. Allele origin: germline.
Comment: In summary, the available evidence is currently insufficient to determine the role of this variant in disease. Therefore, it has been classified as a Variant of Uncertain Significance. Experimental studies and prediction algorithms are not available or were not evaluated, and the functional significance of this variant is currently unknown. This variant has not been reported in the literature in individuals affected with SKI-related conditions. This variant is not present in population databases (gnomAD no frequency). This variant, c.1966_1967ins66, is a complex sequence change that results in the deletion of 1 and insertion of 23 amino acid(s) in the SKI protein (p.Ala656delins23).

NM_003036.4(SKI):c.1966_1967insTCCCAGCCGGAAAGGCCTTGGAGCAGAAGCCAGGCCCGGGACCACGTTCCGTGCGTGCCCCCCCGA (p.Ala656delinsValProAlaGlyLysAlaLeuGluGlnLysProGlyProGlyProArgSerValArgAlaProProThr)

Gene: SKI (SKI proto-oncogene; plus strand). Cytogenetic location: 1p36.32.
Variant type: Insertion.
Coding change: c.1966_1967insTCCCAGCCGGAAAGGCCTTGGAGCAGAAGCCAGGCCCGGGACCACGTTCCGTGCGTGCCCCCCCGA on transcript NM_003036.4 (MANE Select); coding-DNA positions 1966 to 1967, TCCCAGCCGGAAAGGCCTTGGAGCAGAAGCCAGGCCCGGGACCACGTTCCGTGCGTGCCCCCCCGA inserted.
Protein change: p.Ala656delinsValProAlaGlyLysAlaLeuGluGlnLysProGlyProGlyProArgSerValArgAlaProProThr.
Molecular consequence: inframe indel.
Genome position: GRCh38: chr1:2,306,218-2,306,219. GRCh37 (hg19): chr1:2,237,657-2,237,658.
Identifiers: ClinVar variation 2747228 (VCV002747228.3), dbSNP rs2521514773, ClinGen allele CA2697552025.